The following is an entry in ClinVar:

ClinVar aggregate classification (germline): Uncertain significance (1 of 4 stars; one submission).

Submission:

Ambry Genetics
Classification: Uncertain significance. Last evaluated: 2025-10-25. Review status: criteria provided, single submitter. Criteria: Ambry Variant Classification Scheme 2023. Collection method: clinical testing. Allele origin: germline.
Comment: The p.R83C variant (also known as c.247C>T), located in coding exon 1 of the WNK2 gene, results from a C to T substitution at nucleotide position 247. The arginine at codon 83 is replaced by cysteine, an amino acid with highly dissimilar properties. This amino acid position is conserved. In addition, this alteration is predicted to be tolerated by in silico analysis. Based on the available evidence, the clinical significance of this variant remains unclear.

NM_006648.4(WNK2):c.247C>T (p.Arg83Cys)

Gene: WNK2 (WNK lysine deficient protein kinase 2; plus strand). Cytogenetic location: 9q22.31.
Variant type: single nucleotide variant.
Coding change: c.247C>T on transcript NM_006648.4 (MANE Select); coding-DNA position 247, C replaced by T.
Protein change: p.Arg83Cys; replaces arginine 83 with cysteine.
Molecular consequence: missense variant.
Genome position (GRCh38, 1-based): chr9:93,185,176, C>T. VCF-style: chr9-93185176-C-T. GRCh37 (hg19) VCF-style: chr9-95947458-C-T.
Other names: c.247C>T, p.Arg83Cys (NM_001282394.3); short protein forms R83C.
Identifiers: ClinVar variation 4605298 (VCV004605298.1).
Genomic context (GRCh38, chr9:93,185,176, plus strand): 5'-CCGGGCCCGCAGCCCCCGCAGCCCCTGCAGCGCCGGGTGCTTCTGCTCTGCAAGACGCGC[C>T]GCCTCATCGCGGAGCGCGCCCGCGGACGCCCCGCCGCCCCCGCGCCCGCAGCGCTGGTAG-3'
Protein context (NP_006639.3, residues 73-93): RRVLLLCKTR[Arg83Cys]LIAERARGRP